The following is an entry in ClinVar:

NM_000051.4(ATM):c.7567T>G (p.Leu2523Val)

Genes: ATM (ATM serine/threonine kinase; plus strand), C11orf65 (chromosome 11 open reading frame 65; minus strand). Cytogenetic location: 11q22.3.
Variant type: single nucleotide variant.
Coding change: c.7567T>G on transcript NM_000051.4 (MANE Select); coding-DNA position 7567, T replaced by G.
Protein change: p.Leu2523Val; replaces leucine 2523 with valine.
Molecular consequence: missense variant. On other transcripts: non-coding transcript variant (1), intron variant (2).
Genome position (GRCh38, 1-based): chr11:108,331,495, T>G. VCF-style: chr11-108331495-T-G. GRCh37 (hg19) VCF-style: chr11-108202222-T-G.
Other names: c.7567T>G, p.Leu2523Val (NM_001351834.2); c.641-22424A>C (NM_001330368.2); c.*38+3725A>C (NM_001351110.2); short protein forms L2523V.
Identifiers: ClinVar variation 3240796 (VCV003240796.2), dbSNP rs1565532289.
Genomic context (GRCh38, chr11:108,331,495, plus strand): 5'-TAATGGTAGAGAGACGGAATGAAGATTCCAACATATAAATTTTTGCCTCTTATGTACCAA[T>G]TGGCTGCTAGAATGGGGACCAAGATGATGGGAGGCCTAGGATTTCATGAAGTCCTCAATA-3'
Protein context (NP_000042.3, residues 2513-2533): TYKFLPLMYQ[Leu2523Val]AARMGTKMMG

ClinVar aggregate classification (germline): Uncertain significance. Review status: criteria provided, multiple submitters, no conflicts (2 of 4 stars). 2 submissions from 2 submitters: Uncertain significance (2). Last evaluated 2025-06-28.

Conditions:
Familial cancer of breast. Also called: hereditary breast carcinoma; BREAST CANCER, FAMILIAL; Hereditary breast cancer. Identifiers: Orphanet 227535, MedGen C0346153, MONDO:0016419, OMIM 114480. Disease mechanism: loss of function.
Hereditary cancer-predisposing syndrome. Also called: Tumor predisposition; Hereditary Cancer Syndrome; Hereditary neoplastic syndrome; Neoplastic Syndromes, Hereditary. Identifiers: Orphanet 140162, MedGen C0027672, MeSH D009386, MONDO:0015356.

gnomAD v4.1: 1 of 1,613,566 alleles (0.000062%); highest among the groups gnomAD compares: Non-Finnish European, 0.000085%; no homozygotes.

Submissions (2):

Ambry Genetics
Classification: Uncertain significance for Hereditary cancer-predisposing syndrome. Last evaluated: 2025-06-28. Review status: criteria provided, single submitter. Criteria: Ambry Variant Classification Scheme 2023. Collection method: clinical testing. Allele origin: germline.
Comment: The p.L2523V variant (also known as c.7567T>G), located in coding exon 50 of the ATM gene, results from a T to G substitution at nucleotide position 7567. The leucine at codon 2523 is replaced by valine, an amino acid with highly similar properties. This amino acid position is conserved. In addition, this alteration is predicted to be deleterious by in silico analysis. Based on the available evidence, the clinical significance of this variant remains unclear.

Baylor Genetics
Classification: Uncertain significance for Familial cancer of breast. Last evaluated: 2023-11-22. Review status: criteria provided, single submitter. Criteria: ACMG Guidelines, 2015. Collection method: clinical testing. Allele origin: unknown.